The following is an entry in ClinVar:

ClinVar aggregate classification (germline): Uncertain significance. Review status: criteria provided, multiple submitters, no conflicts (2 of 4 stars). 4 submissions from 4 submitters: Uncertain significance (4). Last evaluated 2024-03-28.

Conditions:
Thyrotoxic periodic paralysis, susceptibility to, 1 (TTPP1). Identifiers: Orphanet 79102, MedGen C2749982, MONDO:0008570, OMIM 188580.
Congenital myopathy 18. Also called: DIHYDROPYRIDINE RECEPTOR CONGENITAL MYOPATHY; DHPR CONGENITAL MYOPATHY; Myopathy, congenital, due to dihydropyridine receptor defect. Identifiers: MedGen C5830283, MONDO:0859514, OMIM 620246.
Hypokalemic periodic paralysis, type 1. Also called: HypoPP; Hypokalemic Periodic Paralysis Type 1 (AD). Identifiers: Orphanet 681, MedGen C3714580, MONDO:0042979, OMIM 170400.
Malignant hyperthermia, susceptibility to, 5 (MHS5). Also called: CACNA1S-Related Malignant Hyperthermia Susceptibility. Identifiers: Orphanet 423, MedGen C1866077, MONDO:0011163, OMIM 601887.

Allele frequency attached by ClinVar (database versions not stated): gnomAD exomes below 0.00001 and 0.00001; gnomAD 0.00001; ExAC 0.00002; 1000 Genomes Project 30x 0.00016; 1000 Genomes Project 0.00020.
gnomAD v4.1: 4 of 1,613,654 alleles (0.00025%); highest among the groups gnomAD compares: East Asian, 0.0067%; no homozygotes.

Submissions (4):

Fulgent Genetics
Classification: Uncertain significance for Hypokalemic periodic paralysis, type 1; Thyrotoxic periodic paralysis, susceptibility to, 1; Malignant hyperthermia, susceptibility to, 5; Congenital myopathy 18. Last evaluated: 2024-03-28. Review status: criteria provided, single submitter. Criteria: ACMG Guidelines, 2015. Collection method: clinical testing. Allele origin: germline.

Color Diagnostics, LLC DBA Color Health
Classification: Uncertain significance for Malignant hyperthermia, susceptibility to, 5. Last evaluated: 2024-03-07. Review status: criteria provided, single submitter. Criteria: ACMG Guidelines, 2015. Collection method: clinical testing. Allele origin: germline.
Comment: This missense variant replaces valine with isoleucine at codon 378 of the CACNA1S protein. Computational prediction suggests that this variant may not impact protein structure and function. To our knowledge, functional studies have not been reported for this variant. This variant has not been reported in individuals affected with CACNA1S-related disorders in the literature. This variant has been identified in 2/251492 chromosomes in the general population by the Genome Aggregation Database (gnomAD). The available evidence is insufficient to determine the role of this variant in disease conclusively. Therefore, this variant is classified as a Variant of Uncertain Significance.

All of Us Research Program, National Institutes of Health
Classification: Uncertain significance for Malignant hyperthermia, susceptibility to, 5. Last evaluated: 2023-12-13. Review status: criteria provided, single submitter. Criteria: ACMG Guidelines, 2015. Collection method: clinical testing. Allele origin: germline. Inheritance: Autosomal dominant inheritance. Observed: 3 variant alleles, 3 heterozygotes.
Comment: This missense variant replaces valine with isoleucine at codon 378 of the CACNA1S protein. Computational prediction suggests that this variant may not impact protein structure and function (internally defined REVEL score threshold <= 0.5, PMID: 27666373). To our knowledge, functional studies have not been reported for this variant. This variant has not been reported in individuals affected with CACNA1S-related disorders in the literature. This variant has been identified in 2/251492 chromosomes in the general population by the Genome Aggregation Database (gnomAD). The available evidence is insufficient to determine the role of this variant in disease conclusively. Therefore, this variant is classified as a Variant of Uncertain Significance.

This study involves interpretation of variants in research participants for the purpose of population health screening. Participant phenotype was not available at the time of variant classification. Additional details can be found in publication PMID: 35346344, PMCID: PMC8962531

Labcorp Genetics (formerly Invitae), Labcorp
Classification: Uncertain significance for Hypokalemic periodic paralysis, type 1; Malignant hyperthermia, susceptibility to, 5. Last evaluated: 2021-08-30. Review status: criteria provided, single submitter. Criteria: Invitae Variant Classification Sherloc (09022015). Collection method: clinical testing. Allele origin: germline.
Comment: This sequence change replaces valine with isoleucine at codon 378 of the CACNA1S protein (p.Val378Ile). The valine residue is weakly conserved and there is a small physicochemical difference between valine and isoleucine. This variant is present in population databases (rs577240103, ExAC 0.02%). This variant has not been reported in the literature in individuals affected with CACNA1S-related conditions. Advanced modeling of protein sequence and biophysical properties (such as structural, functional, and spatial information, amino acid conservation, physicochemical variation, residue mobility, and thermodynamic stability) performed at Invitae indicates that this missense variant is not expected to disrupt CACNA1S protein function. In summary, the available evidence is currently insufficient to determine the role of this variant in disease. Therefore, it has been classified as a Variant of Uncertain Significance.

NM_000069.3(CACNA1S):c.1132G>A (p.Val378Ile)

Gene: CACNA1S (calcium voltage-gated channel subunit alpha1 S; minus strand). Cytogenetic location: 1q32.1.
Variant type: single nucleotide variant.
Coding change: c.1132G>A on transcript NM_000069.3 (MANE Select); coding-DNA position 1132, G replaced by A.
Protein change: p.Val378Ile; replaces valine 378 with isoleucine.
Molecular consequence: missense variant.
Genome position (GRCh38, 1-based): chr1:201,085,454, C>T on the plus strand (G>A on the coding strand, the complement: CACNA1S is on the minus strand). VCF-style: chr1-201085454-C-T. GRCh37 (hg19) VCF-style: chr1-201054582-C-T.
Other names: short protein forms V378I.
Identifiers: ClinVar variation 1043886 (VCV001043886.9), dbSNP rs577240103, ClinGen allele CA077965.